The following is an entry in ClinVar:

ClinVar aggregate classification (germline): Pathogenic/Likely pathogenic. Review status: criteria provided, multiple submitters, no conflicts (2 of 4 stars). 6 submissions from 6 submitters: Pathogenic (3); Likely pathogenic (3). Last evaluated 2025-07-31.

Conditions:
Inborn genetic diseases. Identifiers: MedGen C0950123, MeSH D030342.
Developmental and epileptic encephalopathy, 18 (DEE18). Also called: Early infantile epileptic encephalopathy 18. Identifiers: Orphanet 369894, MedGen C3809624, MONDO:0014201, OMIM 615476.

Submissions (6):

GeneDx
Classification: Likely pathogenic. Last evaluated: 2025-07-31. Review status: criteria provided, single submitter. Criteria: GeneDx Variant Classification Process June 2021. Collection method: clinical testing. Allele origin: germline.
Comment: Observed with a second SZT2 variant on the opposite allele (in trans) in a patient with infantile spasms, developmental delay, and focal seizures; however this patient also had a variant in another gene associated with epilepsy (PMID: 31957018); Frameshift variant predicted to result in protein truncation or nonsense mediated decay in a gene for which loss of function is a known mechanism of disease; Not observed at significant frequency in large population cohorts (gnomAD); This variant is associated with the following publications: (PMID: 31440721, 31957018)

Labcorp Genetics (formerly Invitae), Labcorp
Classification: Pathogenic. Last evaluated: 2023-10-29. Review status: criteria provided, single submitter. Criteria: Invitae Variant Classification Sherloc (09022015). Collection method: clinical testing. Allele origin: germline.
Comment: This sequence change creates a premature translational stop signal (p.Ser2881Hisfs*41) in the SZT2 gene. It is expected to result in an absent or disrupted protein product. Loss-of-function variants in SZT2 are known to be pathogenic (PMID: 23932106, 27248490, 28556953). This variant is present in population databases (rs771728311, gnomAD 0.006%). This variant has not been reported in the literature in individuals affected with SZT2-related conditions. ClinVar contains an entry for this variant (Variation ID: 644467). For these reasons, this variant has been classified as Pathogenic.

Genome-Nilou Lab
Classification: Likely pathogenic for Developmental and epileptic encephalopathy, 18. Last evaluated: 2023-04-11. Review status: criteria provided, single submitter. Criteria: ACMG Guidelines, 2015. Collection method: clinical testing. Allele origin: germline. Affected: no.

Institute of Human Genetics, University of Leipzig Medical Center
Classification: Pathogenic for Developmental and epileptic encephalopathy, 18. Last evaluated: 2022-12-08. Review status: criteria provided, single submitter. Criteria: ACMG Guidelines, 2015. Collection method: clinical testing. Allele origin: unknown. Affected: yes.

Greenwood Genetic Center Diagnostic Laboratories, Greenwood Genetic Center
Classification: Likely pathogenic for Developmental and epileptic encephalopathy, 18. Last evaluated: 2021-06-27. Review status: criteria provided, single submitter. Criteria: ACMG Guidelines, 2015. Collection method: clinical testing. Allele origin: germline. Affected: yes.
Comment: PVS1, PM2

Ambry Genetics
Classification: Pathogenic for Inborn genetic diseases. Last evaluated: 2018-01-10. Review status: criteria provided, single submitter. Criteria: Ambry Variant Classification Scheme 2023. Collection method: clinical testing. Allele origin: germline.
Comment: The c.8640delC pathogenic mutation, located in coding exon 61 of the SZT2 gene, results from a deletion of one nucleotide at nucleotide position 8640, causing a translational frameshift with a predicted alternate stop codon (p.S2881Hfs*41). This alteration is expected to result in loss of function by premature protein truncation or nonsense-mediated mRNA decay. As such, this alteration is interpreted as a disease-causing mutation.

Literature cited by the submitters: PubMed 23932106 (cited by Labcorp Genetics (formerly Invitae), Labcorp); PubMed 27248490 (cited by Labcorp Genetics (formerly Invitae), Labcorp); PubMed 28556953 (cited by Labcorp Genetics (formerly Invitae), Labcorp).

NM_001365999.1(SZT2):c.8811del (p.Ser2938fs)

Gene: SZT2 (SZT2 subunit of KICSTOR complex; plus strand). Cytogenetic location: 1p34.2.
Variant type: Deletion.
Coding change: c.8811del on transcript NM_001365999.1 (MANE Select); coding-DNA position 8811, one base deleted (C; older notation c.8811delC).
Protein change: p.Ser2938fs; shifts the reading frame from serine 2938.
Molecular consequence: frameshift variant.
Genome position (GRCh38, 1-based): chr1:43,443,782, C deleted; the last of 6 consecutive C bases (chr1:43,443,777-43,443,782); deleting any one gives the same sequence. VCF-style (leftmost placement, unchanged base first): chr1-43443776-GC-G. GRCh37 (hg19) VCF-style: chr1-43909447-GC-G.
Other names: c.8640del, p.Ser2881fs (NM_015284.4); c.8640del (NM_015284.3); short protein forms S2881fs, S2938fs.
Identifiers: ClinVar variation 644467 (VCV000644467.16), dbSNP rs745420974, ClinGen allele CA810674.